The following is an entry in ClinVar:

ClinVar aggregate classification (germline): Uncertain significance (1 of 4 stars; one submission).

Submission:

Mayo Clinic Laboratories, Mayo Clinic
Classification: Uncertain significance. Last evaluated: 2023-05-24. Review status: criteria provided, single submitter. Criteria: ACMG Guidelines, 2015. Collection method: clinical testing. Allele origin: germline. Observed: 1 variant allele.
Comment: PM2_supporting

NM_001267550.2(TTN):c.13208T>C (p.Leu4403Ser)

Gene: TTN (titin; minus strand). Cytogenetic location: 2q31.2.
Variant type: single nucleotide variant.
Coding change: c.13208T>C on transcript NM_001267550.2 (MANE Select); coding-DNA position 13208, T replaced by C.
Protein change: p.Leu4403Ser; replaces leucine 4403 with serine.
Molecular consequence: missense variant. On other transcripts: intron variant (1).
Genome position (GRCh38, 1-based): chr2:178,740,025, A>G on the plus strand (T>C on the coding strand, the complement: TTN is on the minus strand). VCF-style: chr2-178740025-A-G. GRCh37 (hg19) VCF-style: chr2-179604752-A-G.
Other names: p.Leu4086Ser; c.12257T>C, p.Leu4086Ser (NM_001256850.1); c.12119T>C, p.Leu4040Ser (NM_003319.4); c.12494T>C, p.Leu4165Ser (NM_133432.3); c.12695T>C, p.Leu4232Ser (NM_133437.4); c.10361-1665T>C (NM_133378.4); short protein forms L4040S, L4086S, L4165S, L4232S, L4403S.
Identifiers: ClinVar variation 2682792 (VCV002682792.1), dbSNP rs2530635455, ClinGen allele CA349608923.